The following is an entry in ClinVar:

NM_001278116.2(L1CAM):c.484C>G (p.Pro162Ala)

Gene: L1CAM (L1 cell adhesion molecule; minus strand). Cytogenetic location: Xq28.
Variant type: single nucleotide variant.
Coding change: c.484C>G on transcript NM_001278116.2 (MANE Select); coding-DNA position 484, C replaced by G.
Protein change: p.Pro162Ala; replaces proline 162 with alanine.
Molecular consequence: missense variant.
Genome position (GRCh38, 1-based): chrX:153,871,096, G>C on the plus strand (C>G on the coding strand, the complement: L1CAM is on the minus strand). VCF-style: chrX-153871096-G-C. GRCh37 (hg19) VCF-style: chrX-153136551-G-C.
Other names: c.484C>G, p.Pro162Ala (NM_000425.5, NM_024003.3); c.469C>G, p.Pro157Ala (NM_001143963.2); short protein forms P157A, P162A.
Identifiers: ClinVar variation 2102305 (VCV002102305.4), dbSNP rs2521026140, ClinGen allele CA415136497.

ClinVar aggregate classification (germline): Uncertain significance (1 of 4 stars; one submission).

Conditions:
Spastic paraplegia. Identifiers: MedGen C0037772, HP:0001258.

Submission:

Labcorp Genetics (formerly Invitae), Labcorp
Classification: Uncertain significance for Spastic paraplegia. Last evaluated: 2022-02-23. Review status: criteria provided, single submitter. Criteria: Invitae Variant Classification Sherloc (09022015). Collection method: clinical testing. Allele origin: germline.
Comment: This sequence change replaces proline, which is neutral and non-polar, with alanine, which is neutral and non-polar, at codon 162 of the L1CAM protein (p.Pro162Ala). This variant is not present in population databases (gnomAD no frequency). This variant has not been reported in the literature in individuals affected with L1CAM-related conditions. Advanced modeling of protein sequence and biophysical properties (such as structural, functional, and spatial information, amino acid conservation, physicochemical variation, residue mobility, and thermodynamic stability) performed at Invitae indicates that this missense variant is not expected to disrupt L1CAM protein function. In summary, the available evidence is currently insufficient to determine the role of this variant in disease. Therefore, it has been classified as a Variant of Uncertain Significance.